The following is an entry in ClinVar:

NM_004304.5(ALK):c.233C>T (p.Ser78Leu)

Gene: ALK (ALK receptor tyrosine kinase; minus strand). Cytogenetic location: 2p23.1.
Variant type: single nucleotide variant.
Coding change: c.233C>T on transcript NM_004304.5 (MANE Select); coding-DNA position 233, C replaced by T.
Protein change: p.Ser78Leu; replaces serine 78 with leucine.
Molecular consequence: missense variant.
Genome position (GRCh38, 1-based): chr2:29,920,427, G>A on the plus strand (C>T on the coding strand, the complement: ALK is on the minus strand). VCF-style: chr2-29920427-G-A. GRCh37 (hg19) VCF-style: chr2-30143293-G-A.
Other names: short protein forms S78L.
Identifiers: ClinVar variation 1789837 (VCV001789837.10), dbSNP rs748978993, ClinGen allele CA1595021.

ClinVar aggregate classification (germline): Uncertain significance. Review status: criteria provided, multiple submitters, no conflicts (2 of 4 stars). 4 submissions from 4 submitters: Uncertain significance (4). Last evaluated 2025-04-21.

Conditions:
Hereditary cancer-predisposing syndrome. Also called: Neoplastic Syndromes, Hereditary; Tumor predisposition; Hereditary neoplastic syndrome; Hereditary Cancer Syndrome. Identifiers: Orphanet 140162, MedGen C0027672, MeSH D009386, MONDO:0015356.
Neuroblastoma, susceptibility to, 3. Also called: ALK-Related Neuroblastic Tumor Susceptibility. Identifiers: Orphanet 635, MedGen C2751681, MONDO:0013083, OMIM 613014.

Allele frequency attached by ClinVar (database versions not stated): ExAC 0.00009.
gnomAD v4.1: 10 of 1,603,658 alleles (0.00062%); highest among the groups gnomAD compares: Non-Finnish European, 0.00085%; no homozygotes.

Submissions (4):

Labcorp Genetics (formerly Invitae), Labcorp
Classification: Uncertain significance for Neuroblastoma, susceptibility to, 3. Last evaluated: 2025-04-21. Review status: criteria provided, single submitter. Criteria: Invitae Variant Classification Sherloc (09022015). Collection method: clinical testing. Allele origin: germline.
Comment: This sequence change replaces serine, which is neutral and polar, with leucine, which is neutral and non-polar, at codon 78 of the ALK protein (p.Ser78Leu). This variant is present in population databases (rs748978993, gnomAD 0.005%). This variant has not been reported in the literature in individuals affected with ALK-related conditions. ClinVar contains an entry for this variant (Variation ID: 1789837). An algorithm developed to predict the effect of missense changes on protein structure and function outputs the following: PolyPhen-2: "Benign". The leucine amino acid residue is found in multiple mammalian species, which suggests that this missense change does not adversely affect protein function. In summary, the available evidence is currently insufficient to determine the role of this variant in disease. Therefore, it has been classified as a Variant of Uncertain Significance.

Ambry Genetics
Classification: Uncertain significance for Hereditary cancer-predisposing syndrome. Last evaluated: 2025-04-19. Review status: criteria provided, single submitter. Criteria: Ambry Variant Classification Scheme 2023. Collection method: clinical testing. Allele origin: germline.
Comment: The p.S78L variant (also known as c.233C>T), located in coding exon 1 of the ALK gene, results from a C to T substitution at nucleotide position 233. The serine at codon 78 is replaced by leucine, an amino acid with dissimilar properties. This amino acid position is conserved. In addition, this alteration is predicted to be tolerated by in silico analysis. Since supporting evidence is limited at this time, the clinical significance of this alteration remains unclear.

GeneDx
Classification: Uncertain significance. Last evaluated: 2024-09-23. Review status: criteria provided, single submitter. Criteria: GeneDx Variant Classification Process June 2021. Collection method: clinical testing. Allele origin: germline. Affected: yes.
Comment: Not observed at significant frequency in large population cohorts (gnomAD); In silico analysis indicates that this missense variant does not alter protein structure/function; Has not been previously published as pathogenic or benign to our knowledge

Baylor Genetics
Classification: Uncertain significance for Neuroblastoma, susceptibility to, 3. Last evaluated: 2023-11-08. Review status: criteria provided, single submitter. Criteria: ACMG Guidelines, 2015. Collection method: clinical testing. Allele origin: unknown.